The following is an entry in ClinVar:

ClinVar aggregate classification (germline): Uncertain significance (1 of 4 stars; one submission).

Conditions:
Menkes kinky-hair syndrome (MNK). Also called: Copper transport disease; Menkes Disease; Classic Menkes Disease. Identifiers: Orphanet 565, MedGen C0022716, MONDO:0010651, OMIM 309400.
X-linked distal spinal muscular atrophy type 3. Also called: ATP7A-Related Distal Motor Neuropathy; SPINAL MUSCULAR ATROPHY, DISTAL, X-LINKED RECESSIVE; NEURONOPATHY, DISTAL HEREDITARY MOTOR, X-LINKED; NEUROPATHY, DISTAL HEREDITARY MOTOR, X-LINKED. Identifiers: Orphanet 139557, MedGen C1845359, MONDO:0010338, OMIM 300489.
Cutis laxa, X-linked (OHS). Also called: EDS IX; Occipital horn syndrome. Identifiers: Orphanet 198, MedGen C0268353, MONDO:0010572, OMIM 304150.

Submission:

Labcorp Genetics (formerly Invitae), Labcorp
Classification: Uncertain significance for X-linked distal spinal muscular atrophy type 3; Cutis laxa, X-linked; Menkes kinky-hair syndrome. Last evaluated: 2024-09-01. Review status: criteria provided, single submitter. Criteria: Invitae Variant Classification Sherloc (09022015). Collection method: clinical testing. Allele origin: germline.
Comment: This sequence change replaces methionine, which is neutral and non-polar, with threonine, which is neutral and polar, at codon 175 of the ATP7A protein (p.Met175Thr). This variant is not present in population databases (gnomAD no frequency). This variant has not been reported in the literature in individuals affected with ATP7A-related conditions. Invitae Evidence Modeling of protein sequence and biophysical properties (such as structural, functional, and spatial information, amino acid conservation, physicochemical variation, residue mobility, and thermodynamic stability) indicates that this missense variant is not expected to disrupt ATP7A protein function with a negative predictive value of 95%. In summary, the available evidence is currently insufficient to determine the role of this variant in disease. Therefore, it has been classified as a Variant of Uncertain Significance.

NM_000052.7(ATP7A):c.524T>C (p.Met175Thr)

Gene: ATP7A (ATPase copper transporting alpha; plus strand). Cytogenetic location: Xq21.1.
Variant type: single nucleotide variant.
Coding change: c.524T>C on transcript NM_000052.7 (MANE Select); coding-DNA position 524, T replaced by C.
Protein change: p.Met175Thr; replaces methionine 175 with threonine.
Molecular consequence: missense variant.
Genome position (GRCh38, 1-based): chrX:77,988,645, T>C. VCF-style: chrX-77988645-T-C. GRCh37 (hg19) VCF-style: chrX-77244141-T-C.
Other names: c.524T>C, p.Met175Thr (NM_001282224.2); short protein forms M175T.
Identifiers: ClinVar variation 3762166 (VCV003762166.2).